The following is an entry in ClinVar:

ClinVar aggregate classification (germline): Conflicting classifications of pathogenicity. Review status: criteria provided, conflicting classifications (1 of 4 stars). 3 submissions from 3 submitters: Uncertain significance (1); Likely benign (2). Last evaluated 2025-05-02.

Conditions:
Familial thoracic aortic aneurysm and aortic dissection (TAAD). Also called: Thoracic aortic aneurysms and dissections. Identifiers: Orphanet 91387, MedGen C4707243, MONDO:0019625.

Allele frequency attached by ClinVar (database versions not stated): gnomAD 0.00003; gnomAD exomes 0.00003; TOPMed 0.00004.
gnomAD v4.1: 29 of 1,083,624 alleles (0.0027%); highest among the groups gnomAD compares: African/African-American, 0.0034%; no homozygotes.

Submissions (3):

Ambry Genetics
Classification: Uncertain significance for Familial thoracic aortic aneurysm and aortic dissection. Last evaluated: 2025-05-02. Review status: criteria provided, single submitter. Criteria: Ambry Variant Classification Scheme 2023. Collection method: clinical testing. Allele origin: germline.
Comment: The c.-4G>A variant is located in the 5' untranslated region (5&rsquo;UTR) of the TGFBR1 gene. This variant results from a G to A substitution 4 nucleotides upstream from the first translated codon. This nucleotide position is highly conserved on limited sequence alignment. Based on the available evidence, the clinical significance of this variant remains unclear.

GeneDx
Classification: Likely benign. Last evaluated: 2023-03-15. Review status: criteria provided, single submitter. Criteria: GeneDx Variant Classification Process June 2021. Collection method: clinical testing. Allele origin: germline. Affected: yes.
Comment: See Variant Classification Assertion Criteria.

ARUP Laboratories, Molecular Genetics and Genomics, ARUP Laboratories
Classification: Likely benign. Last evaluated: 2017-09-12. Review status: criteria provided, single submitter. Criteria: ARUP Molecular Germline Variant Investigation Process. Collection method: clinical testing. Allele origin: germline.

NM_004612.4(TGFBR1):c.-4G>A

Genes: TGFBR1 (transforming growth factor beta receptor 1; plus strand), LOC130002223 (ATAC-STARR-seq lymphoblastoid silent region 20124; plus strand). Cytogenetic location: 9q22.33.
Variant type: single nucleotide variant.
Coding change: c.-4G>A on transcript NM_004612.4 (MANE Select); 4 bases upstream of the start codon, G replaced by A.
Molecular consequence: 5 prime UTR variant.
Genome position (GRCh38, 1-based): chr9:99,105,202, G>A. VCF-style: chr9-99105202-G-A. GRCh37 (hg19) VCF-style: chr9-101867484-G-A.
Other names: c.-4G>A (NM_001130916.3, NM_001306210.2).
Identifiers: ClinVar variation 379554 (VCV000379554.14), dbSNP rs1007933061, ClinGen allele CA16606608.